The following is an entry in ClinVar:

ClinVar aggregate classification (germline): Uncertain significance (1 of 4 stars; one submission).

Conditions:
Bethlem myopathy 1A. Also called: MYOPATHY, BENIGN CONGENITAL, WITH CONTRACTURES; Bethlem Muscular Dystrophy; Bethlem myopathy 1. Identifiers: Orphanet 610, MedGen CN029274, MONDO:0024530, OMIM 158810.

Submission:

Labcorp Genetics (formerly Invitae), Labcorp
Classification: Uncertain significance for Bethlem myopathy 1A. Last evaluated: 2021-06-13. Review status: criteria provided, single submitter. Criteria: Invitae Variant Classification Sherloc (09022015). Collection method: clinical testing. Allele origin: germline.
Comment: In summary, the available evidence is currently insufficient to determine the role of this variant in disease. Therefore, it has been classified as a Variant of Uncertain Significance. Advanced modeling of protein sequence and biophysical properties (such as structural, functional, and spatial information, amino acid conservation, physicochemical variation, residue mobility, and thermodynamic stability) performed at Invitae indicates that this missense variant is not expected to disrupt COL6A3 protein function. This variant has been observed in individual(s) with clinical features of autosomal recessive COL6A3-related conditions (PMID: 29172004). It has also been observed to segregate with disease in related individuals. This variant is not present in population databases (ExAC no frequency). This sequence change replaces lysine with glutamic acid at codon 2796 of the COL6A3 protein (p.Lys2796Glu). The lysine residue is highly conserved and there is a small physicochemical difference between lysine and glutamic acid.

Literature cited by the submitters: PubMed 29172004.

NM_004369.4(COL6A3):c.8386A>G (p.Lys2796Glu)

Gene: COL6A3 (collagen type VI alpha 3 chain; minus strand). Cytogenetic location: 2q37.3.
Variant type: single nucleotide variant.
Coding change: c.8386A>G on transcript NM_004369.4 (MANE Select); coding-DNA position 8386, A replaced by G.
Protein change: p.Lys2796Glu; replaces lysine 2796 with glutamic acid.
Molecular consequence: missense variant.
Genome position (GRCh38, 1-based): chr2:237,340,530, T>C on the plus strand (A>G on the coding strand, the complement: COL6A3 is on the minus strand). VCF-style: chr2-237340530-T-C. GRCh37 (hg19) VCF-style: chr2-238249173-T-C.
Other names: c.6565A>G, p.Lys2189Glu (NM_057166.5); c.7768A>G, p.Lys2590Glu (NM_057167.4); short protein forms K2189E, K2590E, K2796E.
Identifiers: ClinVar variation 1442867 (VCV001442867.8), dbSNP rs2106319353, ClinGen allele CA351194848.
Genomic context (GRCh38, chr2:237,340,530, plus strand): 5'-ACAGCCTCCCGAAGCGCATCAAAGGCTCCTCGTTGAGCTCGGTGGACTTGTCCACTAATT[T>C]GAAGAAGACGTCGTTTGGCTCACTGGCGAAGGTGTATACCTCCTTGATGTTCACCTTCCT-3'
Protein context (NP_004360.2, residues 2786-2806): FASEPNDVFF[Lys2796Glu]LVDKSTELNE